The following is an entry in ClinVar:

ClinVar aggregate classification (germline): Uncertain significance (1 of 4 stars; one submission).

Conditions:
Juvenile polyposis syndrome (JPS). Identifiers: Orphanet 2929, MedGen C0345893, MONDO:0017380, OMIM 174900.

Submission:

Labcorp Genetics (formerly Invitae), Labcorp
Classification: Uncertain significance for Juvenile polyposis syndrome. Last evaluated: 2023-11-19. Review status: criteria provided, single submitter. Criteria: Invitae Variant Classification Sherloc (09022015). Collection method: clinical testing. Allele origin: germline.
Comment: This sequence change replaces aspartic acid, which is acidic and polar, with histidine, which is basic and polar, at codon 360 of the SMAD4 protein (p.Asp360His). This variant is not present in population databases (gnomAD no frequency). This variant has not been reported in the literature in individuals affected with SMAD4-related conditions. ClinVar contains an entry for this variant (Variation ID: 843664). Advanced modeling of protein sequence and biophysical properties (such as structural, functional, and spatial information, amino acid conservation, physicochemical variation, residue mobility, and thermodynamic stability) has been performed at Invitae for this missense variant, however the output from this modeling did not meet the statistical confidence thresholds required to predict the impact of this variant on SMAD4 protein function. In summary, the available evidence is currently insufficient to determine the role of this variant in disease. Therefore, it has been classified as a Variant of Uncertain Significance.

NM_005359.6(SMAD4):c.1078G>C (p.Asp360His)

Gene: SMAD4 (SMAD family member 4; plus strand). Cytogenetic location: 18q21.2.
Variant type: single nucleotide variant.
Coding change: c.1078G>C on transcript NM_005359.6 (MANE Select); coding-DNA position 1078, G replaced by C.
Protein change: p.Asp360His; replaces aspartic acid 360 with histidine.
Molecular consequence: missense variant.
Genome position (GRCh38, 1-based): chr18:51,065,545, G>C. VCF-style: chr18-51065545-G-C. GRCh37 (hg19) VCF-style: chr18-48591915-G-C.
Other names: short protein forms D360H.
Identifiers: ClinVar variation 843664 (VCV000843664.9), dbSNP rs1910123913, ClinGen allele CA402464361.